The following is an entry in ClinVar:

NM_018834.6(MATR3):c.614G>A (p.Gly205Glu)

Gene: MATR3 (matrin 3; plus strand). Cytogenetic location: 5q31.2.
Variant type: single nucleotide variant.
Coding change: c.614G>A on transcript NM_018834.6 (MANE Select); coding-DNA position 614, G replaced by A.
Protein change: p.Gly205Glu; replaces glycine 205 with glutamic acid.
Molecular consequence: missense variant. On other transcripts: intron variant (11).
Genome position (GRCh38, 1-based): chr5:139,308,029, G>A. VCF-style: chr5-139308029-G-A. GRCh37 (hg19) VCF-style: chr5-138643718-G-A.
Other names: c.614G>A, p.Gly205Glu (NM_001194954.2, NM_001194955.2, NM_001400441.1 and 16 more transcripts); c.52-6646G>A (NM_001400459.1); c.-102-6646G>A (NM_001400463.1, NM_001400460.1, NM_001282278.2 and 3 more transcripts); c.-40-7668G>A (NM_001400462.1, NM_001400467.1); c.13-6646G>A (NM_001400461.1); c.49-6646G>A (NM_001194956.2); short protein forms G205E.
Identifiers: ClinVar variation 4742810 (VCV004742810.1).

ClinVar aggregate classification (germline): Uncertain significance (1 of 4 stars; one submission).

Conditions:
Amyotrophic lateral sclerosis type 21. Also called: MYOPATHY, DISTAL, 2; VOCAL CORD AND PHARYNGEAL DYSFUNCTION WITH DISTAL MYOPATHY. Identifiers: Orphanet 600, Orphanet 803, MedGen C3807521, MONDO:0011632, OMIM 606070.

Submission:

Labcorp Genetics (formerly Invitae), Labcorp
Classification: Uncertain significance for Amyotrophic lateral sclerosis type 21. Last evaluated: 2025-09-17. Review status: criteria provided, single submitter. Criteria: Invitae Variant Classification Sherloc (09022015). Collection method: clinical testing. Allele origin: germline.
Comment: This sequence change replaces glycine, which is neutral and non-polar, with glutamic acid, which is acidic and polar, at codon 205 of the MATR3 protein (p.Gly205Glu). This variant is not present in population databases (gnomAD no frequency). This variant has not been reported in the literature in individuals affected with MATR3-related conditions. Invitae Evidence Modeling of protein sequence and biophysical properties (such as structural, functional, and spatial information, amino acid conservation, physicochemical variation, residue mobility, and thermodynamic stability) indicates that this missense variant is expected to disrupt MATR3 protein function with a positive predictive value of 80%. In summary, the available evidence is currently insufficient to determine the role of this variant in disease. Therefore, it has been classified as a Variant of Uncertain Significance.